The following is an entry in ClinVar:

ClinVar aggregate classification (germline): Uncertain significance (1 of 4 stars; one submission).

Conditions:
Epilepsy, familial focal, with variable foci 3 (FFEVF3). Identifiers: MedGen C4310708, MONDO:0014925, OMIM 617118.

gnomAD v4.1: 5 of 1,613,866 alleles (0.00031%); highest among the groups gnomAD compares: African/African-American, 0.0013%; no homozygotes.

Submission:

Labcorp Genetics (formerly Invitae), Labcorp
Classification: Uncertain significance for Epilepsy, familial focal, with variable foci 3. Last evaluated: 2024-12-24. Review status: criteria provided, single submitter. Criteria: Invitae Variant Classification Sherloc (09022015). Collection method: clinical testing. Allele origin: germline.
Comment: This sequence change replaces leucine, which is neutral and non-polar, with phenylalanine, which is neutral and non-polar, at codon 274 of the NPRL3 protein (p.Leu274Phe). This variant is present in population databases (rs752301363, gnomAD 0.007%). This variant has not been reported in the literature in individuals affected with NPRL3-related conditions. Invitae Evidence Modeling of protein sequence and biophysical properties (such as structural, functional, and spatial information, amino acid conservation, physicochemical variation, residue mobility, and thermodynamic stability) indicates that this missense variant is not expected to disrupt NPRL3 protein function with a negative predictive value of 80%. In summary, the available evidence is currently insufficient to determine the role of this variant in disease. Therefore, it has been classified as a Variant of Uncertain Significance.

NM_001077350.3(NPRL3):c.820C>T (p.Leu274Phe)

Genes: HBA-LCR (alpha-globin locus control region; plus strand), NPRL3 (NPR3 like, GATOR1 complex subunit; minus strand). Cytogenetic location: 16p13.3.
Variant type: single nucleotide variant.
Coding change: c.820C>T on transcript NM_001077350.3 (MANE Select); coding-DNA position 820, C replaced by T.
Protein change: p.Leu274Phe; replaces leucine 274 with phenylalanine.
Molecular consequence: missense variant.
Genome position (GRCh38, 1-based): chr16:98,249, G>A on the plus strand (C>T on the coding strand, the complement: NPRL3 is on the minus strand). VCF-style: chr16-98249-G-A. GRCh37 (hg19) VCF-style: chr16-148247-G-A.
Other names: c.283C>T, p.Leu95Phe (NM_001039476.3); c.586C>T, p.Leu196Phe (NM_001243247.2); c.745C>T, p.Leu249Phe (NM_001243248.2, NM_001243249.2); short protein forms L249F, L196F, L95F, L274F.
Identifiers: ClinVar variation 3716355 (VCV003716355.2).
Genomic context (GRCh38, chr16:98,249, plus strand): 5'-TCTTCACAGCAGATGTGGTCTTGATCACCCGCACTAGGGCAGGGGAGCAGTCAATAGGAA[G>A]CTCACCCAGCAAGGACTTCTCATCACTGAGCAGCAGCAGGGCATGGTAGGGGCTGCAAAA-3'
Protein context (NP_001070818.1, residues 264-284): LSDEKSLLGE[Leu274Phe]PIDCSPALVR